The following is an entry in ClinVar:

ClinVar aggregate classification (germline): Uncertain significance (1 of 4 stars; one submission).

Allele frequency attached by ClinVar (database versions not stated): gnomAD 0.00003; TOPMed 0.00003; ExAC 0.00005; gnomAD exomes 0.00007; ESP Exome Variant Server 0.00008.
gnomAD v4.1: 108 of 1,613,832 alleles (0.0067%); highest among the groups gnomAD compares: Non-Finnish European, 0.0086%; no homozygotes.

Submission:

Labcorp Genetics (formerly Invitae), Labcorp
Classification: Uncertain significance. Last evaluated: 2023-11-27. Review status: criteria provided, single submitter. Criteria: Invitae Variant Classification Sherloc (09022015). Collection method: clinical testing. Allele origin: germline.
Comment: This sequence change replaces aspartic acid, which is acidic and polar, with glycine, which is neutral and non-polar, at codon 263 of the MYH7B protein (p.Asp263Gly). This variant is present in population databases (rs374653674, gnomAD 0.007%). This variant has not been reported in the literature in individuals affected with MYH7B-related conditions. ClinVar contains an entry for this variant (Variation ID: 1984166). Advanced modeling of protein sequence and biophysical properties (such as structural, functional, and spatial information, amino acid conservation, physicochemical variation, residue mobility, and thermodynamic stability) performed at Invitae indicates that this missense variant is expected to disrupt MYH7B protein function with a positive predictive value of 80%. In summary, the available evidence is currently insufficient to determine the role of this variant in disease. Therefore, it has been classified as a Variant of Uncertain Significance.

NM_020884.7(MYH7B):c.662A>G (p.Asp221Gly)

Gene: MYH7B (myosin heavy chain 7B; plus strand). Cytogenetic location: 20q11.22.
Variant type: single nucleotide variant.
Coding change: c.662A>G on transcript NM_020884.7 (MANE Select); coding-DNA position 662, A replaced by G.
Protein change: p.Asp221Gly; replaces aspartic acid 221 with glycine.
Molecular consequence: missense variant.
Genome position (GRCh38, 1-based): chr20:34,984,867, A>G. VCF-style: chr20-34984867-A-G. GRCh37 (hg19) VCF-style: chr20-33572670-A-G.
Other names: short protein forms D221G.
Identifiers: ClinVar variation 1984166 (VCV001984166.4), dbSNP rs374653674, ClinGen allele CA9826595.
Genomic context (GRCh38, chr20:34,984,867, plus strand): 5'-TGGGTAGGCACCAGAACTGACAGACCCCCTCACCCCCACCGCCCCAGGGCACCCTTGAGG[A>G]TCAAATCATCGAGGCCAACCCTGCCATGGAGGCCTTTGGCAACGCCAAGACCCTGAGGAA-3'
Protein context (NP_065935.4, residues 211-231): LATKTGGTLE[Asp221Gly]QIIEANPAME